The following is an entry in ClinVar:

ClinVar aggregate classification (germline): Uncertain significance (1 of 4 stars; one submission).

Conditions:
Chondrodysplasia punctata, brachytelephalangic, autosomal. Also called: BRACHYTELEPHALANGIC CHONDRODYSPLASIA PUNCTATA. Identifiers: MedGen C1844853, MONDO:0011238, OMIM 602497.

gnomAD v4.1: 1 of 1,211,426 alleles (0.000083%); highest among the groups gnomAD compares: Admixed American, 0.0022%; no homozygotes.

Submission:

Labcorp Genetics (formerly Invitae), Labcorp
Classification: Uncertain significance for Chondrodysplasia punctata, brachytelephalangic, autosomal. Last evaluated: 2024-08-15. Review status: criteria provided, single submitter. Criteria: Invitae Variant Classification Sherloc (09022015). Collection method: clinical testing. Allele origin: germline.
Comment: This sequence change replaces leucine, which is neutral and non-polar, with isoleucine, which is neutral and non-polar, at codon 236 of the ARSE protein (p.Leu236Ile). This variant is not present in population databases (gnomAD no frequency). This variant has not been reported in the literature in individuals affected with ARSE-related conditions. Invitae Evidence Modeling of protein sequence and biophysical properties (such as structural, functional, and spatial information, amino acid conservation, physicochemical variation, residue mobility, and thermodynamic stability) has been performed for this missense variant. However, the output from this modeling did not meet the statistical confidence thresholds required to predict the impact of this variant on ARSE protein function. In summary, the available evidence is currently insufficient to determine the role of this variant in disease. Therefore, it has been classified as a Variant of Uncertain Significance.

NM_000047.3(ARSL):c.706C>A (p.Leu236Ile)

Gene: ARSL (arylsulfatase L; minus strand). Cytogenetic location: Xp22.33.
Variant type: single nucleotide variant.
Coding change: c.706C>A on transcript NM_000047.3 (MANE Select); coding-DNA position 706, C replaced by A.
Protein change: p.Leu236Ile; replaces leucine 236 with isoleucine.
Molecular consequence: missense variant.
Genome position (GRCh38, 1-based): chrX:2,949,452, G>T on the plus strand (C>A on the coding strand, the complement: ARSL is on the minus strand). VCF-style: chrX-2949452-G-T. GRCh37 (hg19) VCF-style: chrX-2867493-G-T.
Other names: c.781C>A, p.Leu261Ile (NM_001282628.2, NM_001369080.1); c.544C>A, p.Leu182Ile (NM_001282631.2); c.733C>A, p.Leu245Ile (NM_001369079.1); short protein forms L261I, L245I, L182I, L236I.
Identifiers: ClinVar variation 3664796 (VCV003664796.2).
Genomic context (GRCh38, chrX:2,949,452, plus strand): 5'-TCAGAAAGCAATCGGCATGGACAATCAGAGCACCCACAAAATAGGAGCTTGCGAGGAGGA[G>T]GACGGCCGAAAGGGCTGACCAGATGACCGGCATCCACGAGACGGGTATCAGGTGTGTGAG-3'
Protein context (NP_000038.2, residues 226-246): PVIWSALSAV[Leu236Ile]LLASSYFVGA